The following is an entry in ClinVar:

ClinVar aggregate classification (germline): Uncertain significance. Review status: criteria provided, multiple submitters, no conflicts (2 of 4 stars). 2 submissions from 2 submitters: Uncertain significance (2). Last evaluated 2025-09-11.

Conditions:
Cardiovascular phenotype. Identifiers: MedGen CN230736.
ABCG5-related disorder. Also called: ABCG5-related condition.

Submissions (2):

Ambry Genetics
Classification: Uncertain significance for Cardiovascular phenotype. Last evaluated: 2025-09-11. Review status: criteria provided, single submitter. Criteria: Ambry Variant Classification Scheme 2023. Collection method: clinical testing. Allele origin: germline.

PreventionGenetics, part of Exact Sciences
Classification: Uncertain significance for ABCG5-related condition. Last evaluated: 2024-12-07. Review status: criteria provided, single submitter. Criteria: ACMG Guidelines, 2015. Collection method: clinical testing. Allele origin: germline.
Comment: The ABCG5 c.1129A>G variant is predicted to result in the amino acid substitution p.Arg377Gly. To our knowledge, this variant has not been reported in the literature or in a large population database (gnomAD), indicating this variant is rare. At this time, the clinical significance of this variant is uncertain due to the absence of conclusive functional and genetic evidence.

NM_022436.3(ABCG5):c.1129A>G (p.Arg377Gly)

Genes: ABCG5 (ATP binding cassette subfamily G member 5; minus strand), DYNC2LI1 (dynein cytoplasmic 2 light intermediate chain 1; plus strand). Cytogenetic location: 2p21.
Variant type: single nucleotide variant.
Coding change: c.1129A>G on transcript NM_022436.3 (MANE Select); coding-DNA position 1129, A replaced by G.
Protein change: p.Arg377Gly; replaces arginine 377 with glycine.
Molecular consequence: missense variant. On other transcripts: intron variant (2).
Genome position (GRCh38, 1-based): chr2:43,824,108, T>C on the plus strand (A>G on the coding strand, the complement: ABCG5 is on the minus strand). VCF-style: chr2-43824108-T-C. GRCh37 (hg19) VCF-style: chr2-44051247-T-C.
Other names: c.*16-3278T>C (NM_001348913.2, NM_001348912.2); short protein forms R377G.
Identifiers: ClinVar variation 4148753 (VCV004148753.2).